The following is an entry in ClinVar:

NM_002227.4(JAK1):c.426G>T (p.Lys142Asn)

Gene: JAK1 (Janus kinase 1; minus strand). Cytogenetic location: 1p31.3.
Variant type: single nucleotide variant.
Coding change: c.426G>T on transcript NM_002227.4 (MANE Select); coding-DNA position 426, G replaced by T.
Protein change: p.Lys142Asn; replaces lysine 142 with asparagine.
Molecular consequence: missense variant.
Genome position (GRCh38, 1-based): chr1:64,873,427, C>A on the plus strand (G>T on the coding strand, the complement: JAK1 is on the minus strand). VCF-style: chr1-64873427-C-A. GRCh37 (hg19) VCF-style: chr1-65339110-C-A.
Other names: c.426G>T, p.Lys142Asn (NM_001320923.2, NM_001321852.2, NM_001321853.2 and 4 more transcripts); short protein forms K142N.
Identifiers: ClinVar variation 1478065 (VCV001478065.11), dbSNP rs747560156, ClinGen allele CA893160.

ClinVar aggregate classification (germline): Uncertain significance. Review status: criteria provided, multiple submitters, no conflicts (2 of 4 stars). 2 submissions from 2 submitters: Uncertain significance (2). Last evaluated 2025-12-08.

Conditions:
Autoinflammation, immune dysregulation, and eosinophilia. Also called: ATOPIC DERMATITIS, ENTERITIS, COLITIS, AND EOSINOPHILIA. Identifiers: MedGen C5436572, MONDO:0033558, OMIM 618999.

Allele frequency attached by ClinVar (database versions not stated): gnomAD 0.00001; gnomAD exomes 0.00003 and 0.00004; ExAC 0.00005.
gnomAD v4.1: 37 of 1,613,904 alleles (0.0023%); highest among the groups gnomAD compares: South Asian, 0.041%; no homozygotes.

Submissions (2):

Labcorp Genetics (formerly Invitae), Labcorp
Classification: Uncertain significance. Last evaluated: 2025-12-08. Review status: criteria provided, single submitter. Criteria: Invitae Variant Classification Sherloc (09022015). Collection method: clinical testing. Allele origin: germline.
Comment: This sequence change replaces lysine, which is basic and polar, with asparagine, which is neutral and polar, at codon 142 of the JAK1 protein (p.Lys142Asn). This variant is present in population databases (rs747560156, gnomAD 0.04%). This variant has not been reported in the literature in individuals affected with JAK1-related conditions. ClinVar contains an entry for this variant (Variation ID: 1478065). Invitae Evidence Modeling of protein sequence and biophysical properties (such as structural, functional, and spatial information, amino acid conservation, physicochemical variation, residue mobility, and thermodynamic stability) indicates that this missense variant is not expected to disrupt JAK1 protein function with a negative predictive value of 80%. In summary, the available evidence is currently insufficient to determine the role of this variant in disease. Therefore, it has been classified as a Variant of Uncertain Significance.

Revvity Omics, Revvity
Classification: Uncertain significance for Autoinflammation, immune dysregulation, and eosinophilia. Last evaluated: 2022-08-31. Review status: criteria provided, single submitter. Criteria: ACMG Guidelines, 2015. Collection method: clinical testing. Allele origin: germline.